The following is an entry in ClinVar:

ClinVar aggregate classification (germline): Conflicting classifications of pathogenicity. Review status: criteria provided, conflicting classifications (1 of 4 stars). 2 submissions from 2 submitters: Likely pathogenic (1); Uncertain significance (1). Last evaluated 2025-05-05.

Conditions:
Dystonia 5 (DRD). Also called: GTP Cyclohydrolase 1-Deficient Dopa-Responsive Dystonia; Dystonia, DOPA-responsive, with or without hyperphenylalaninemia; DYT-GCH1; DYSTONIA, PROGRESSIVE, WITH DIURNAL VARIATION; DYSTONIA-PARKINSONISM WITH DIURNAL FLUCTUATION. Identifiers: Orphanet 98808, MedGen C1851920, MONDO:0007495, OMIM 128230.
GTP cyclohydrolase I deficiency. Identifiers: MedGen C0268467, MONDO:0100184.

Allele frequency attached by ClinVar (database versions not stated): TOPMed below 0.00001; ExAC 0.00001; gnomAD exomes 0.00001.

Submissions (2):

GeneDx
Classification: Uncertain significance. Last evaluated: 2025-05-05. Review status: criteria provided, single submitter. Criteria: GeneDx Variant Classification Process June 2021. Collection method: clinical testing. Allele origin: germline. Affected: yes.
Comment: Not observed at significant frequency in large population cohorts (gnomAD); In silico analysis supports that this missense variant has a deleterious effect on protein structure/function; This variant is associated with the following publications: (PMID: 38532509, 39001623, 29484265, 24993959)

Labcorp Genetics (formerly Invitae), Labcorp
Classification: Likely pathogenic for GTP cyclohydrolase I deficiency; Dystonia 5. Last evaluated: 2024-10-22. Review status: criteria provided, single submitter. Criteria: Invitae Variant Classification Sherloc (09022015). Collection method: clinical testing. Allele origin: germline.
Comment: This sequence change replaces arginine, which is basic and polar, with glutamine, which is neutral and polar, at codon 241 of the GCH1 protein (p.Arg241Gln). This variant is present in population databases (rs775733967, gnomAD 0.003%). This missense change has been observed in individuals with dystonia and related disorders (PMID: 24993959; internal data). ClinVar contains an entry for this variant (Variation ID: 2137588). Invitae Evidence Modeling of protein sequence and biophysical properties (such as structural, functional, and spatial information, amino acid conservation, physicochemical variation, residue mobility, and thermodynamic stability) indicates that this missense variant is expected to disrupt GCH1 protein function with a positive predictive value of 80%. This variant disrupts the p.Arg241 amino acid residue in GCH1. Other variant(s) that disrupt this residue have been observed in individuals with GCH1-related conditions (PMID: 9778264), which suggests that this may be a clinically significant amino acid residue. In summary, the currently available evidence indicates that the variant is pathogenic, but additional data are needed to prove that conclusively. Therefore, this variant has been classified as Likely Pathogenic.

Literature cited by the submitters: PubMed 24993959 (cited by Labcorp Genetics (formerly Invitae), Labcorp); PubMed 9778264 (cited by Labcorp Genetics (formerly Invitae), Labcorp).

NM_000161.3(GCH1):c.722G>A (p.Arg241Gln)

Gene: GCH1 (GTP cyclohydrolase 1; minus strand). Cytogenetic location: 14q22.2.
Variant type: single nucleotide variant.
Coding change: c.722G>A on transcript NM_000161.3 (MANE Select); coding-DNA position 722, G replaced by A.
Protein change: p.Arg241Gln; replaces arginine 241 with glutamine.
Molecular consequence: missense variant. On other transcripts: intron variant (2).
Genome position (GRCh38, 1-based): chr14:54,844,048, C>T on the plus strand (G>A on the coding strand, the complement: GCH1 is on the minus strand). VCF-style: chr14-54844048-C-T. GRCh37 (hg19) VCF-style: chr14-55310766-C-T.
Other names: c.722G>A (NM_000161.2); c.722G>A, p.Arg241Gln (NM_001024024.2); c.627-994G>A (NM_001024071.2); c.627-179G>A (NM_001024070.2); short protein forms R241Q.
Identifiers: ClinVar variation 2137588 (VCV002137588.5), dbSNP rs775733967, ClinGen allele CA7193506.
Genomic context (GRCh38, chr14:54,844,048, plus strand): 5'-GCAACCAACGCACACACACTGAATGAAGCTCAGCTCCTAATGAGAGTCAGGAACTCTTCC[C>T]GAGTCTTTGGATCCTCCCGGAACACACCCAACATTGTGCTGGTCACAGTTTTGCTGTTCA-3'
Protein context (NP_000152.1, residues 231-250): LGVFREDPKT[Arg241Gln]EEFLTLIRS